The following is an entry in ClinVar:

NM_022081.6(HPS4):c.1543T>C (p.Cys515Arg)

Gene: HPS4 (HPS4 biogenesis of lysosomal organelles complex 3 subunit 2; minus strand). Cytogenetic location: 22q12.1.
Variant type: single nucleotide variant.
Coding change: c.1543T>C on transcript NM_022081.6 (MANE Select); coding-DNA position 1543, T replaced by C.
Protein change: p.Cys515Arg; replaces cysteine 515 with arginine.
Molecular consequence: missense variant. On other transcripts: non-coding transcript variant (8).
Genome position (GRCh38, 1-based): chr22:26,464,087, A>G on the plus strand (T>C on the coding strand, the complement: HPS4 is on the minus strand). VCF-style: chr22-26464087-A-G. GRCh37 (hg19) VCF-style: chr22-26860053-A-G.
Other names: c.1543T>C, p.Cys515Arg (NM_001349896.1, NM_001349898.2, NM_001349899.2 and 4 more transcripts); c.1597T>C, p.Cys533Arg (NM_001349900.2, NM_001349901.1); c.1528T>C, p.Cys510Arg (NM_152841.2); c.1543T>C (NM_022081.4); short protein forms C510R, C515R, C533R.
Identifiers: ClinVar variation 341006 (VCV000341006.43), dbSNP rs148134252, ClinGen allele CA10163292.

ClinVar aggregate classification (germline): Conflicting classifications of pathogenicity. Review status: criteria provided, conflicting classifications (1 of 4 stars). 7 submissions from 7 submitters: Uncertain significance (2); Likely benign (3). 2 of the submissions do not count toward it. Last evaluated 2026-02-02.

Conditions:
HPS4-related disorder. Also called: HPS4-related condition.
Inborn genetic diseases. Identifiers: MedGen C0950123, MeSH D030342.

Allele frequency attached by ClinVar (database versions not stated): ESP Exome Variant Server 0.00023; TOPMed 0.00023; gnomAD exomes 0.00040 and 0.00056; gnomAD 0.00055 and 0.00092; ExAC 0.00072.
gnomAD v4.1: 668 of 1,614,266 alleles (0.041%); highest among the groups gnomAD compares: Middle Eastern, 0.049%; no homozygotes.

Submissions (7):

Labcorp Genetics (formerly Invitae), Labcorp
Classification: Likely benign. Last evaluated: 2026-02-02. Review status: criteria provided, single submitter. Criteria: Invitae Variant Classification Sherloc (09022015). Collection method: clinical testing. Allele origin: germline.

CeGaT Center for Human Genetics Tuebingen
Classification: Likely benign. Last evaluated: 2024-02-01. Review status: criteria provided, single submitter. Criteria: CeGaT Center For Human Genetics Tuebingen Variant Classification Criteria Version 2. Collection method: clinical testing. Allele origin: germline. Affected: yes. Observed: 2 variant alleles.
Comment: HPS4: BP4

Women's Health and Genetics/Laboratory Corporation of America, LabCorp
Classification: Likely benign. Last evaluated: 2024-01-10. Review status: criteria provided, single submitter. Criteria: LabCorp Variant Classification Summary - May 2015. Collection method: clinical testing. Allele origin: germline.
Comment: Variant summary: HPS4 c.1543T>C (p.Cys515Arg) results in a non-conservative amino acid change in the encoded protein sequence. Four of five in-silico tools predict a benign effect of the variant on protein function. The variant allele was found at a frequency of 0.00056 in 251470 control chromosomes (gnomAD). The observed variant frequency is approximately 1 fold of the estimated maximal expected allele frequency for a pathogenic variant in HPS4 causing Hermansky-Pudlak Syndrome phenotype (0.00052), strongly suggesting that the variant is benign. To our knowledge, no occurrence of c.1543T>C in individuals affected with Hermansky-Pudlak Syndrome and no experimental evidence demonstrating its impact on protein function have been reported. ClinVar contains an entry for this variant (Variation ID: 341006). Based on the evidence outlined above, the variant was classified as likely benign.

Ambry Genetics
Classification: Uncertain significance for Inborn genetic diseases. Last evaluated: 2023-10-02. Review status: criteria provided, single submitter. Criteria: Ambry Variant Classification Scheme 2023. Collection method: clinical testing. Allele origin: germline.

Eurofins Ntd Llc (ga)
Classification: Uncertain significance. Last evaluated: 2017-05-26. Review status: criteria provided, single submitter. Criteria: EGL Classification Definitions 2015. Collection method: clinical testing. Allele origin: germline. Observed: 1 variant allele, 1 heterozygote.

PreventionGenetics, part of Exact Sciences
Classification: Likely benign for HPS4-related condition. Last evaluated: 2024-06-11. Review status: no assertion criteria provided. Collection method: clinical testing. Allele origin: germline. Not counted in ClinVar's aggregate classification.
Comment: This variant is classified as likely benign based on ACMG/AMP sequence variant interpretation guidelines (Richards et al. 2015 PMID: 25741868, with internal and published modifications).

Department of Pathology and Laboratory Medicine, Sinai Health System
Classification: Uncertain significance. Review status: no assertion criteria provided. Collection method: clinical testing. Allele origin: unknown. Affected: yes. Study: The Canadian Open Genetics Repository (COGR). Not counted in ClinVar's aggregate classification.
Comment: The HPS4 p.Cys533Arg variant was not identified in the literature nor was it identified in Cosmic or LOVD 3.0. The variant was identified in dbSNP (ID: rs148134252) and in ClinVar (variant is classified as a VUS by Illumina and EGL Genetics for Hermansky-Pudlak Syndrome). The variant was also identified in control databases in 170 of 282874 chromosomes at a frequency of 0.000601 increasing the likelihood this could be a low frequency benign variant (Genome Aggregation Database Feb 27, 2017). The variant was observed in the following populations: European (Finnish) in 71 of 25124 chromosomes (freq: 0.002826), Other in 5 of 7220 chromosomes (freq: 0.000693), European (non-Finnish) in 89 of 129182 chromosomes (freq: 0.000689), African in 3 of 24970 chromosomes (freq: 0.00012), Ashkenazi Jewish in 1 of 10370 chromosomes (freq: 0.000096) and Latino in 1 of 35440 chromosomes (freq: 0.000028); it was not observed in the East Asian or South Asian populations. The variant occurs outside of the splicing consensus sequence and in silico or computational prediction software programs (SpliceSiteFinder, MaxEntScan, NNSPLICE, GeneSplicer) do not predict a difference in splicing. The p.Cys533 residue is not conserved in mammals and four out of five computational analyses (PolyPhen-2, SIFT, AlignGVGD, MutationTaster) do not suggest a high likelihood of impact to the protein; however, this information is not predictive enough to rule out pathogenicity. In summary, based on the above information the clinical significance of this variant cannot be determined with certainty at this time. This variant is classified as a variant of uncertain significance.